The following is an entry in ClinVar:

NM_006013.5(RPL10):c.*21C>T

Gene: RPL10 (ribosomal protein L10; plus strand). Cytogenetic location: Xq28.
Variant type: single nucleotide variant.
Coding change: c.*21C>T on transcript NM_006013.5 (MANE Select); 21 bases downstream of the stop codon, C replaced by T.
Molecular consequence: 3 prime UTR variant. On other transcripts: missense variant (1).
Genome position (GRCh38, 1-based): chrX:154,400,875, C>T. VCF-style: chrX-154400875-C-T. GRCh37 (hg19) VCF-style: chrX-153629216-C-T.
Other names: c.503C>T, p.Pro168Leu (NM_001256577.2); c.*21C>T (NM_001256580.2, NM_001303624.2, NM_001303625.1); c.*217C>T (NM_001303626.1); short protein forms P168L.
Identifiers: ClinVar variation 5041405 (VCV005041405.1).

ClinVar aggregate classification (germline): Likely benign (1 of 4 stars; one submission).

Submission:

CeGaT Center for Human Genetics Tuebingen
Classification: Likely benign. Last evaluated: 2026-09-01. Review status: criteria provided, single submitter. Criteria: CeGaT Center For Human Genetics Tuebingen Variant Classification Criteria Version 2. Collection method: clinical testing. Allele origin: germline. Affected: yes. Observed: 1 variant allele.
Comment: RPL10: BP4